The following is an entry in ClinVar:

NM_145331.3(MAP3K7):c.1603A>G (p.Lys535Glu)

Gene: MAP3K7 (mitogen-activated protein kinase kinase kinase 7; minus strand). Cytogenetic location: 6q15.
Variant type: single nucleotide variant.
Coding change: c.1603A>G on transcript NM_145331.3 (MANE Select); coding-DNA position 1603, A replaced by G.
Protein change: p.Lys535Glu; replaces lysine 535 with glutamic acid.
Molecular consequence: missense variant. On other transcripts: intron variant (2).
Genome position (GRCh38, 1-based): chr6:90,518,484, T>C on the plus strand (A>G on the coding strand, the complement: MAP3K7 is on the minus strand). VCF-style: chr6-90518484-T-C. GRCh37 (hg19) VCF-style: chr6-91228203-T-C.
Other names: c.1522A>G, p.Lys508Glu (NM_003188.4); c.1443+774A>G (NM_145333.3); c.1524+774A>G (NM_145332.3); short protein forms K508E, K535E.
Identifiers: ClinVar variation 1722791 (VCV001722791.2), dbSNP rs2534243331, ClinGen allele CA365014765.

ClinVar aggregate classification (germline): Uncertain significance (1 of 4 stars; one submission).

Submission:

GeneDx
Classification: Uncertain significance. Last evaluated: 2022-05-05. Review status: criteria provided, single submitter. Criteria: GeneDx Variant Classification Process June 2021. Collection method: clinical testing. Allele origin: germline. Affected: yes.
Comment: Not observed at significant frequency in large population cohorts (gnomAD); In silico analysis supports that this missense variant does not alter protein structure/function; Has not been previously published as pathogenic or benign to our knowledge